The following is an entry in ClinVar:

NM_000051.4(ATM):c.2778A>G (p.Lys926=)

Gene: ATM (ATM serine/threonine kinase; plus strand). Cytogenetic location: 11q22.3.
Variant type: single nucleotide variant.
Coding change: c.2778A>G on transcript NM_000051.4 (MANE Select); coding-DNA position 2778, A replaced by G.
Protein change: p.Lys926=; no amino-acid change (lysine 926 retained).
Molecular consequence: synonymous variant.
Genome position (GRCh38, 1-based): chr11:108,268,549, A>G. VCF-style: chr11-108268549-A-G. GRCh37 (hg19) VCF-style: chr11-108139276-A-G.
Other names: c.2778A>G, p.Lys926= (NM_001351834.2).
Identifiers: ClinVar variation 184118 (VCV000184118.30), dbSNP rs372569168, ClinGen allele CA187843.

ClinVar aggregate classification (germline): Conflicting classifications of pathogenicity. Review status: criteria provided, conflicting classifications (1 of 4 stars). 10 submissions from 10 submitters: Uncertain significance (1); Benign (1); Likely benign (7). 1 of the submissions does not count toward it. Last evaluated 2026-01-31.

Conditions:
ATM-related disorder. Also called: ATM-related disorders; ATM-related condition.
Hereditary cancer-predisposing syndrome. Also called: Tumor predisposition; Hereditary Cancer Syndrome; Hereditary neoplastic syndrome; Neoplastic Syndromes, Hereditary. Identifiers: Orphanet 140162, MedGen C0027672, MeSH D009386, MONDO:0015356.
Familial cancer of breast. Also called: BREAST CANCER, FAMILIAL; hereditary breast carcinoma; Hereditary breast cancer. Identifiers: Orphanet 227535, MedGen C0346153, MONDO:0016419, OMIM 114480. Disease mechanism: loss of function.
Ataxia-telangiectasia syndrome (AT). Also called: LOUIS-BAR SYNDROME; Cerebello-oculocutaneous telangiectasia; Immunodeficiency with ataxia telangiectasia; ATAXIA-TELANGIECTASIA, COMPLEMENTATION GROUP A; ATAXIA-TELANGIECTASIA, FRESNO VARIANT; Ataxia-telangiectasia. Identifiers: Orphanet 100, MedGen C0004135, MONDO:0008840, OMIM 208900.

Allele frequency attached by ClinVar (database versions not stated): gnomAD exomes 0.00001 and 0.00002; ExAC 0.00003; gnomAD 0.00007 and 0.00009; ESP Exome Variant Server 0.00008; TOPMed 0.00009.
gnomAD v4.1: 20 of 1,613,962 alleles (0.0012%); highest among the groups gnomAD compares: African/African-American, 0.025%; no homozygotes.

Submissions (10):

Labcorp Genetics (formerly Invitae), Labcorp
Classification: Likely benign for Ataxia-telangiectasia syndrome. Last evaluated: 2026-01-31. Review status: criteria provided, single submitter. Criteria: Invitae Variant Classification Sherloc (09022015). Collection method: clinical testing. Allele origin: germline.

Myriad Genetics, Inc.
Classification: Benign for Familial cancer of breast. Last evaluated: 2024-05-10. Review status: criteria provided, single submitter. Criteria: Myriad Autosomal Dominant, Autosomal Recessive and X-Linked Classification Criteria (2023). Collection method: clinical testing. Allele origin: unknown.
Comment: This variant is considered benign. This variant is a silent/synonymous amino acid change and it is not expected to impact splicing.

Department of Pathology and Laboratory Medicine, Sinai Health System
Classification: Likely benign for Familial cancer of breast. Last evaluated: 2023-08-15. Review status: criteria provided, single submitter. Criteria: ACMG Guidelines, 2015. Collection method: clinical testing. Allele origin: germline. Affected: yes.

Sema4
Classification: Likely benign for Hereditary cancer-predisposing syndrome. Last evaluated: 2021-12-17. Review status: criteria provided, single submitter. Criteria: Sema4 Curation Guidelines. Collection method: curation. Allele origin: germline.

GeneDx
Classification: Likely benign. Last evaluated: 2021-03-30. Review status: criteria provided, single submitter. Criteria: GeneDx Variant Classification Process June 2021. Collection method: clinical testing. Allele origin: germline. Affected: yes.

Mendelics
Classification: Likely benign for Ataxia-telangiectasia syndrome. Last evaluated: 2019-05-28. Review status: criteria provided, single submitter. Criteria: Mendelics Assertion Criteria 2017. Collection method: clinical testing. Allele origin: unknown.

Illumina Laboratory Services, Illumina
Classification: Uncertain significance for Ataxia-telangiectasia syndrome. Last evaluated: 2018-01-13. Review status: criteria provided, single submitter. Criteria: ICSL Variant Classification Criteria 13 December 2019. Collection method: clinical testing. Allele origin: germline.

Color Diagnostics, LLC DBA Color Health
Classification: Likely benign for Hereditary cancer-predisposing syndrome. Last evaluated: 2016-08-13. Review status: criteria provided, single submitter. Criteria: ACMG Guidelines, 2015. Collection method: clinical testing. Allele origin: germline.

Ambry Genetics
Classification: Likely benign for Hereditary cancer-predisposing syndrome. Last evaluated: 2016-05-19. Review status: criteria provided, single submitter. Criteria: Ambry Variant Classification Scheme 2023. Collection method: clinical testing. Allele origin: germline.

PreventionGenetics, part of Exact Sciences
Classification: Likely benign for ATM-related condition. Last evaluated: 2021-05-05. Review status: no assertion criteria provided. Collection method: clinical testing. Allele origin: germline. Not counted in ClinVar's aggregate classification.
Comment: This variant is classified as likely benign based on ACMG/AMP sequence variant interpretation guidelines (Richards et al. 2015 PMID: 25741868, with internal and published modifications).